The following is an entry in ClinVar:

NM_000944.5(PPP3CA):c.1507C>G (p.Leu503Val)

Gene: PPP3CA (protein phosphatase 3 catalytic subunit alpha; minus strand). Cytogenetic location: 4q24.
Variant type: single nucleotide variant.
Coding change: c.1507C>G on transcript NM_000944.5 (MANE Select); coding-DNA position 1507, C replaced by G.
Protein change: p.Leu503Val; replaces leucine 503 with valine.
Molecular consequence: missense variant.
Genome position (GRCh38, 1-based): chr4:101,025,924, G>C on the plus strand (C>G on the coding strand, the complement: PPP3CA is on the minus strand). VCF-style: chr4-101025924-G-C. GRCh37 (hg19) VCF-style: chr4-101947081-G-C.
Other names: c.1477C>G, p.Leu493Val (NM_001130691.2); c.1351C>G, p.Leu451Val (NM_001130692.2); short protein forms L503V, L451V, L493V.
Identifiers: ClinVar variation 3672155 (VCV003672155.2).
Genomic context (GRCh38, chr4:101,025,924, plus strand): 5'-GTCACTGAATATTGCTGCTATTACTGCCATTGCTGTCCGTGCCGTTAGTCTCTGAGGTGA[G>C]AGCCTTGTTGATGGAGTTAAGGTTGGCGTCAGAGGGCATGGCATCTCTGCGAGGCGGCAT-3'
Protein context (NP_000935.1, residues 493-513): DANLNSINKA[Leu503Val]TSETNGTDSN

ClinVar aggregate classification (germline): Uncertain significance (1 of 4 stars; one submission).

gnomAD v4.1: 2 of 1,610,156 alleles (0.00012%); highest among the groups gnomAD compares: Non-Finnish European, 0.00017%; no homozygotes.

Submission:

Labcorp Genetics (formerly Invitae), Labcorp
Classification: Uncertain significance. Last evaluated: 2024-10-16. Review status: criteria provided, single submitter. Criteria: Invitae Variant Classification Sherloc (09022015). Collection method: clinical testing. Allele origin: germline.
Comment: This sequence change replaces leucine, which is neutral and non-polar, with valine, which is neutral and non-polar, at codon 503 of the PPP3CA protein (p.Leu503Val). This variant is not present in population databases (gnomAD no frequency). This variant has not been reported in the literature in individuals affected with PPP3CA-related conditions. An algorithm developed to predict the effect of missense changes on protein structure and function (PolyPhen-2) suggests that this variant is likely to be tolerated. In summary, the available evidence is currently insufficient to determine the role of this variant in disease. Therefore, it has been classified as a Variant of Uncertain Significance.